The following is an entry in ClinVar:

NM_145200.5(CABP4):c.269C>T (p.Pro90Leu)

Gene: CABP4 (calcium binding protein 4; plus strand). Cytogenetic location: 11q13.2.
Variant type: single nucleotide variant.
Coding change: c.269C>T on transcript NM_145200.5 (MANE Select); coding-DNA position 269, C replaced by T.
Protein change: p.Pro90Leu; replaces proline 90 with leucine.
Molecular consequence: missense variant. On other transcripts: 5 prime UTR variant (2), non-coding transcript variant (1), intron variant (1).
Genome position (GRCh38, 1-based): chr11:67,455,692, C>T. VCF-style: chr11-67455692-C-T. GRCh37 (hg19) VCF-style: chr11-67223163-C-T.
Other names: c.-115C>T (NM_001300895.3); c.-129C>T (NM_001379183.1); c.-112-17C>T (NM_001300896.3); short protein forms P90L.
Identifiers: ClinVar variation 941394 (VCV000941394.6), dbSNP rs748891243, ClinGen allele CA6140119.

ClinVar aggregate classification (germline): Uncertain significance (1 of 4 stars; one submission).

Allele frequency attached by ClinVar (database versions not stated): gnomAD exomes 0.00001; ExAC 0.00002; gnomAD 0.00003 and 0.00004; TOPMed 0.00003.
gnomAD v4.1: 27 of 1,607,918 alleles (0.0017%); highest among the groups gnomAD compares: South Asian, 0.014%; no homozygotes.

Submission:

Labcorp Genetics (formerly Invitae), Labcorp
Classification: Uncertain significance. Last evaluated: 2022-03-10. Review status: criteria provided, single submitter. Criteria: Invitae Variant Classification Sherloc (09022015). Collection method: clinical testing. Allele origin: germline.
Comment: In summary, the available evidence is currently insufficient to determine the role of this variant in disease. Therefore, it has been classified as a Variant of Uncertain Significance. Advanced modeling of protein sequence and biophysical properties (such as structural, functional, and spatial information, amino acid conservation, physicochemical variation, residue mobility, and thermodynamic stability) performed at Invitae indicates that this missense variant is not expected to disrupt CABP4 protein function. ClinVar contains an entry for this variant (Variation ID: 941394). This variant has not been reported in the literature in individuals affected with CABP4-related conditions. This variant is present in population databases (rs748891243, gnomAD 0.003%). This sequence change replaces proline, which is neutral and non-polar, with leucine, which is neutral and non-polar, at codon 90 of the CABP4 protein (p.Pro90Leu).